The following is an entry in ClinVar:

NM_006231.4(POLE):c.6514G>A (p.Asp2172Asn)

Gene: POLE (DNA polymerase epsilon, catalytic subunit; minus strand). Cytogenetic location: 12q24.33.
Variant type: single nucleotide variant.
Coding change: c.6514G>A on transcript NM_006231.4 (MANE Select); coding-DNA position 6514, G replaced by A.
Protein change: p.Asp2172Asn; replaces aspartic acid 2172 with asparagine.
Molecular consequence: missense variant.
Genome position (GRCh38, 1-based): chr12:132,626,134, C>T on the plus strand (G>A on the coding strand, the complement: POLE is on the minus strand). VCF-style: chr12-132626134-C-T. GRCh37 (hg19) VCF-style: chr12-133202720-C-T.
Other names: short protein forms D2172N.
Identifiers: ClinVar variation 3670473 (VCV003670473.2).
Genomic context (GRCh38, chr12:132,626,134, plus strand): 5'-TGTTCTGCTCCACAGTGAAGGGCCCGCTGGAGCTCAGCCGCACCTCTGAGAAGGAAGAGT[C>T]TTTACACAGGTCCAGGTCGCGGCAGAAGTTACAGCTGCGGCAGATGACCTCAGGAAGCAC-3'
Protein context (NP_006222.2, residues 2162-2182): NFCRDLDLCK[Asp2172Asn]SSFSEDGAVL

ClinVar aggregate classification (germline): Uncertain significance (1 of 4 stars; one submission).

Submission:

Labcorp Genetics (formerly Invitae), Labcorp
Classification: Uncertain significance. Last evaluated: 2025-01-12. Review status: criteria provided, single submitter. Criteria: Invitae Variant Classification Sherloc (09022015). Collection method: clinical testing. Allele origin: germline.
Comment: This sequence change replaces aspartic acid, which is acidic and polar, with asparagine, which is neutral and polar, at codon 2172 of the POLE protein (p.Asp2172Asn). This variant is not present in population databases (gnomAD no frequency). This variant has not been reported in the literature in individuals affected with POLE-related conditions. Invitae Evidence Modeling of protein sequence and biophysical properties (such as structural, functional, and spatial information, amino acid conservation, physicochemical variation, residue mobility, and thermodynamic stability) indicates that this missense variant is not expected to disrupt POLE protein function with a negative predictive value of 80%. In summary, the available evidence is currently insufficient to determine the role of this variant in disease. Therefore, it has been classified as a Variant of Uncertain Significance.